The following is an entry in ClinVar:

NM_000535.7(PMS2):c.538-2A>G

Gene: PMS2 (PMS1 homolog 2, mismatch repair system component; minus strand). Cytogenetic location: 7p22.1.
Variant type: single nucleotide variant.
Coding change: c.538-2A>G on transcript NM_000535.7 (MANE Select); the canonical splice acceptor site of the intron before coding-DNA position 538, A replaced by G.
Molecular consequence: splice acceptor variant. On other transcripts: intron variant (9).
Genome position (GRCh38, 1-based): chr7:5,999,277, T>C on the plus strand (A>G on the coding strand, the complement: PMS2 is on the minus strand). VCF-style: chr7-5999277-T-C. GRCh37 (hg19) VCF-style: chr7-6038908-T-C.
Other names: c.220-2A>G (NM_001322008.2, NM_001406902.1, NM_001406883.1 and 4 more transcripts); c.229-2A>G (NM_001406881.1, NM_001406879.1, NM_001322015.2 and 6 more transcripts); c.133-2A>G (NM_001406895.1, NM_001322010.2, NM_001322004.2 and 21 more transcripts); c.132+3176A>G (NM_001406911.1); c.133-1854A>G (NM_001322013.2, NM_001406909.1); c.-347-51A>G (NM_001322012.2, NM_001322011.2); c.251-51A>G (NM_001406885.1); c.537+3176A>G (NM_001406886.1); and 4 more.
Identifiers: ClinVar variation 411028 (VCV000411028.52), dbSNP rs758304323, ClinGen allele CA050225.

ClinVar aggregate classification (germline): Pathogenic/Likely pathogenic. Review status: criteria provided, multiple submitters, no conflicts (2 of 4 stars). 15 submissions from 15 submitters: Pathogenic (3); Likely pathogenic (10). 2 of the submissions do not count toward it. Last evaluated 2026-01-11.

Conditions:
Gastric cancer. Also called: Stomach cancer; Malignant tumor of stomach. Identifiers: MedGen C0024623, MeSH D013274, MONDO:0001056, OMIM 613659, HP:0012126.
Hereditary cancer-predisposing syndrome. Also called: Hereditary neoplastic syndrome; Neoplastic Syndromes, Hereditary; Hereditary Cancer Syndrome; Tumor predisposition. Identifiers: Orphanet 140162, MedGen C0027672, MeSH D009386, MONDO:0015356.
Lynch syndrome 4 (LYNCH4). Also called: Colorectal cancer, hereditary nonpolyposis, type 4; Hereditary non-polyposis colorectal cancer, type 4. Identifiers: Orphanet 144, MedGen C1838333, MONDO:0013699, OMIM 614337. Disease mechanism: loss of function.
Mismatch repair cancer syndrome 4. Identifiers: MedGen C5436817, MONDO:0030843, OMIM 619101.
Hereditary nonpolyposis colorectal neoplasms. Identifiers: MedGen C0009405, MeSH D003123.
Lynch syndrome. Identifiers: Orphanet 144, MedGen C4552100, MONDO:0005835. Disease mechanism: loss of function.

Allele frequency attached by ClinVar (database versions not stated): ExAC 0.00001; gnomAD exomes 0.00001.
gnomAD v4.1: 3 of 1,613,086 alleles (0.00019%); highest among the groups gnomAD compares: Admixed American, 0.005%; no homozygotes.

Submissions 1 to 7 of 15:

Labcorp Genetics (formerly Invitae), Labcorp
Classification: Pathogenic for Hereditary nonpolyposis colorectal neoplasms. Last evaluated: 2026-01-11. Review status: criteria provided, single submitter. Criteria: Invitae Variant Classification Sherloc (09022015). Collection method: clinical testing. Allele origin: germline.
Comment: This sequence change affects an acceptor splice site in intron 5 of the PMS2 gene. RNA analysis indicates that disruption of this splice site induces altered splicing and may result in an absent or altered protein product. This variant is present in population databases (rs758304323, gnomAD 0.009%). Disruption of this splice site has been observed in individual(s) with clinical features of Lynch syndrome and/or constitutional mismatch repair deficiency syndrome (PMID: 24440087, 28449805, 28640387, 31101557, 31992580; internal data). In at least one individual the data is consistent with being in trans (on the opposite chromosome) from a pathogenic variant. Invitae Evidence Modeling of clinical and family history, age, sex, and reported ancestry of multiple individuals with this PMS2 variant has been performed. This variant is expected to be pathogenic with a positive predictive value of at least 99%. This is a validated machine learning model that incorporates the clinical features of 1,627,235 individuals referred to our laboratory for PMS2 testing. ClinVar contains an entry for this variant (Variation ID: 411028). Studies have shown that disruption of this splice site results in partial deletion of exon 6, and produces a non-functional protein and/or introduces a premature termination codon (internal data). For these reasons, this variant has been classified as Pathogenic.

Color Diagnostics, LLC DBA Color Health
Classification: Likely pathogenic for Hereditary cancer-predisposing syndrome. Last evaluated: 2025-07-25. Review status: criteria provided, single submitter. Criteria: ACMG Guidelines, 2015. Collection method: clinical testing. Allele origin: germline.
Comment: This variant causes an A to G nucleotide substitution at the -2 position of intron 5 of the PMS2 gene. Splice site prediction tools suggest that this variant may have a significant impact on RNA splicing. Although this prediction has not been confirmed in published RNA studies, this variant is expected to abolish the acceptor site at exon 6 and result in an absent or disrupted protein product. This variant has been reported in individuals affected with Lynch syndrome (PMID: 28640387, 31101557, 31992580). This variant has been identified in 3/251470 chromosomes in the general population by the Genome Aggregation Database (gnomAD). Loss of PMS2 function is a known mechanism of disease. Based on the available evidence, this variant is classified as Likely Pathogenic.

3billion
Classification: Pathogenic for Lynch syndrome 4. Last evaluated: 2025-01-21. Review status: criteria provided, single submitter. Criteria: ACMG Guidelines, 2015. Collection method: clinical testing. Allele origin: germline. Affected: yes.
Comment: The variant is observed at an extremely low frequency in the gnomAD v4.1.0 dataset (total allele frequency: <0.001%). Predicted Consequence/Location: Canonical splice site: predicted to alter splicing and result in a loss or disruption of normal protein function. Multiple pathogenic loss-of-function variants are reported downstream of the variant. In silico tools predict the variant to alter splicing and produce an abnormal transcript [SpliceAI: 0.67 (spliceogenicity >=0.2, non-spliceogenicity <0.1)]. The variant has been reported at least twice as pathogenic with clinical assertions and evidence for the classification (ClinVar ID: VCV000411028 /PMID: 28449805). Therefore, this variant is classified as Pathogenic according to the recommendation of ACMG/AMP guideline.

Ambry Genetics
Classification: Pathogenic for Hereditary cancer-predisposing syndrome. Last evaluated: 2024-02-27. Review status: criteria provided, single submitter. Criteria: Ambry Variant Classification Scheme 2023. Collection method: clinical testing. Allele origin: germline.
Comment: The c.538-2A>G intronic pathogenic mutation results from an A to G substitution two nucleotides upstream from coding exon 6 in the PMS2 gene. Another alteration impacting the same acceptor site (c.538-1G>C) has been reported in a child with constitutional mismatch repair deficiency syndrome in conjunction with a PMS2 gross deletion (Bakry D et al. Eur J Cancer. 2014 Mar;50(5):987-96). Alterations that disrupt the canonical splice site are expected to result in aberrant splicing. In silico splice site analysis predicts that this alteration will weaken the native splice acceptor site; however, direct evidence is insufficient at this time (Ambry internal data). The resulting transcript is predicted to be in-frame and is not expected to trigger nonsense-mediated mRNA decay. The exact functional effect of the missing amino acids is unknown; however, the impacted region is critical for protein function (Ambry internal data). Based on the supporting evidence, this alteration is interpreted as a disease-causing mutation.

All of Us Research Program, National Institutes of Health
Classification: Likely pathogenic for Lynch syndrome. Last evaluated: 2023-07-19. Review status: criteria provided, single submitter. Criteria: ACMG Guidelines, 2015. Collection method: clinical testing. Allele origin: germline. Inheritance: Autosomal dominant inheritance. Observed: 1 variant allele, 1 heterozygote.
Comment: This variant causes an A to G nucleotide substitution at the -2 position of intron 5 of the PMS2 gene. Splice site prediction tools suggest that this variant may have a significant impact on RNA splicing. Although this prediction has not been confirmed in published RNA studies, this variant is expected to abolish the acceptor site at exon 6 and result in an absent or disrupted protein product. This variant has been reported in individuals affected with Lynch syndrome (PMID: 28640387, 31101557, 31992580). This variant has been identified in 3/251470 chromosomes in the general population by the Genome Aggregation Database (gnomAD). Loss of PMS2 function is a known mechanism of disease. Based on the available evidence, this variant is classified as Likely Pathogenic.

This study involves interpretation of variants in research participants for the purpose of population health screening. Participant phenotype was not available at the time of variant classification. Additional details can be found in publication PMID: 35346344, PMCID: PMC8962531

Myriad Genetics, Inc.
Classification: Likely pathogenic for Lynch syndrome 4. Last evaluated: 2023-04-03. Review status: criteria provided, single submitter. Criteria: Myriad Autosomal Dominant, Autosomal Recessive and X-Linked Classification Criteria (2023). Collection method: clinical testing. Allele origin: unknown.
Comment: This variant is considered likely pathogenic. This variant occurs within a consensus splice junction and is predicted to result in abnormal mRNA splicing of either an out-of-frame exon or an in-frame exon necessary for protein stability and/or normal function.

GeneDx
Classification: Likely pathogenic. Last evaluated: 2022-05-24. Review status: criteria provided, single submitter. Criteria: GeneDx Variant Classification Process June 2021. Collection method: clinical testing. Allele origin: germline. Affected: yes.
Comment: Canonical splice site variant predicted to result in aberrant splicing leading to in-frame loss of the adjacent exon 6, which would disrupt the ATPase domain (Guarne 2001); Observed in individuals with Lynch-associated cancers and tumor studies consistent with pathogenic variants in this gene (Ricker 2017, Mork 2019, Wang 2020); This variant is associated with the following publications: (PMID: 28640387, 28449805, 31101557, 31992580, 29922827, 27535533, 11574484)